The following is an entry in ClinVar:

NM_012318.3(LETM1):c.2203G>A (p.Ala735Thr)

Gene: LETM1 (leucine zipper and EF-hand containing transmembrane protein 1; minus strand). Cytogenetic location: 4p16.3.
Variant type: single nucleotide variant.
Coding change: c.2203G>A on transcript NM_012318.3 (MANE Select); coding-DNA position 2203, G replaced by A.
Protein change: p.Ala735Thr; replaces alanine 735 with threonine.
Molecular consequence: missense variant.
Genome position (GRCh38, 1-based): chr4:1,814,441, C>T on the plus strand (G>A on the coding strand, the complement: LETM1 is on the minus strand). VCF-style: chr4-1814441-C-T. GRCh37 (hg19) VCF-style: chr4-1816168-C-T.
Other names: short protein forms A735T.
Identifiers: ClinVar variation 1921717 (VCV001921717.5), dbSNP rs762737209, ClinGen allele CA2811018.
Genomic context (GRCh38, chr4:1,814,441, plus strand): 5'-GGGTGACGGCACAGCAGGAGGACAGGTGCCCAGGCCAGTGGTTCTAGCTCTTCACCTCTG[C>T]GACCTCCTTCTCTGCCTTCTCTTTGGCCTTCTCCTTCTCCTCCACCTTCTCCTCTTTTTC-3'
Protein context (NP_036450.1, residues 725-739): KAKEKAEKEV[Ala735Thr]EVKS

ClinVar aggregate classification (germline): Uncertain significance (1 of 4 stars; one submission).

gnomAD v4.1: 10 of 1,614,216 alleles (0.00062%); highest among the groups gnomAD compares: South Asian, 0.0055%; no homozygotes.

Submission:

Labcorp Genetics (formerly Invitae), Labcorp
Classification: Uncertain significance. Last evaluated: 2022-11-01. Review status: criteria provided, single submitter. Criteria: Invitae Variant Classification Sherloc (09022015). Collection method: clinical testing. Allele origin: germline.
Comment: This variant is present in population databases (rs762737209, gnomAD 0.006%). In summary, the available evidence is currently insufficient to determine the role of this variant in disease. Therefore, it has been classified as a Variant of Uncertain Significance. Algorithms developed to predict the effect of missense changes on protein structure and function are either unavailable or do not agree on the potential impact of this missense change (SIFT: "Tolerated"; PolyPhen-2: "Not Available"; Align-GVGD: "Class C0"). This variant has not been reported in the literature in individuals affected with LETM1-related conditions. This sequence change replaces alanine, which is neutral and non-polar, with threonine, which is neutral and polar, at codon 735 of the LETM1 protein (p.Ala735Thr).